The following is an entry in ClinVar:

NM_004036.5(ADCY3):c.2432+10A>T

Gene: ADCY3 (adenylate cyclase 3; minus strand). Cytogenetic location: 2p23.3.
Variant type: single nucleotide variant.
Coding change: c.2432+10A>T on transcript NM_004036.5 (MANE Select); 10 bases into the intron after coding-DNA position 2432, A replaced by T.
Molecular consequence: intron variant.
Genome position (GRCh38, 1-based): chr2:24,827,892, T>A on the plus strand (A>T on the coding strand, the complement: ADCY3 is on the minus strand). VCF-style: chr2-24827892-T-A. GRCh37 (hg19) VCF-style: chr2-25050761-T-A.
Other names: c.2172+2817A>T (NM_001377130.1); c.2294+10A>T (NM_001377129.1); c.2432+10A>T (NM_001320613.2, NM_001377132.1); c.2498+10A>T (NM_001377128.1); c.1709+10A>T (NM_001377131.1).
Identifiers: ClinVar variation 3354393 (VCV003354393.1).

ClinVar aggregate classification (germline): Likely benign (0 of 4 stars; one submission).

Conditions:
ADCY3-related disorder. Also called: ADCY3-related condition.

gnomAD v4.1: 10 of 1,613,816 alleles (0.00062%); highest among the groups gnomAD compares: African/African-American, 0.013%; no homozygotes.

Submission:

PreventionGenetics, part of Exact Sciences
Classification: Likely benign for ADCY3-related condition. Last evaluated: 2024-05-01. Review status: no assertion criteria provided. Collection method: clinical testing. Allele origin: germline.
Comment: This variant is classified as likely benign based on ACMG/AMP sequence variant interpretation guidelines (Richards et al. 2015 PMID: 25741868, with internal and published modifications).